The following is an entry in ClinVar:

NM_000222.3(KIT):c.816G>A (p.Gln272=)

Gene: KIT (KIT proto-oncogene, receptor tyrosine kinase; plus strand). Cytogenetic location: 4q12.
Variant type: single nucleotide variant.
Coding change: c.816G>A on transcript NM_000222.3 (MANE Select); coding-DNA position 816, G replaced by A.
Protein change: p.Gln272=; no amino-acid change (glutamine 272 retained).
Molecular consequence: synonymous variant.
Genome position (GRCh38, 1-based): chr4:54,703,783, G>A. VCF-style: chr4-54703783-G-A. GRCh37 (hg19) VCF-style: chr4-55569949-G-A.
Other names: c.816G>A, p.Gln272= (NM_001093772.2, NM_001385285.1, NM_001385286.1); c.819G>A, p.Gln273= (NM_001385284.1, NM_001385288.1, NM_001385290.1 and 1 more transcripts).
Identifiers: ClinVar variation 1160124 (VCV001160124.24), dbSNP rs758792480, ClinGen allele CA2923323.

ClinVar aggregate classification (germline): Benign/Likely benign. Review status: criteria provided, multiple submitters, no conflicts (2 of 4 stars). 4 submissions from 4 submitters: Benign (1); Likely benign (3). Last evaluated 2026-06-02.

Conditions:
Hereditary cancer-predisposing syndrome. Also called: Tumor predisposition; Hereditary neoplastic syndrome; Hereditary Cancer Syndrome; Neoplastic Syndromes, Hereditary. Identifiers: Orphanet 140162, MedGen C0027672, MeSH D009386, MONDO:0015356.
Gastrointestinal stromal tumor. Also called: Gastrointestinal stroma tumor; Gastrointestinal stromal tumor, somatic. Identifiers: Orphanet 44890, MedGen C0238198, MeSH D046152, MONDO:0011719, OMIM 606764, HP:0100723.

Allele frequency attached by ClinVar (database versions not stated): gnomAD exomes below 0.00001 and 0.00001; ExAC 0.00001; TOPMed 0.00001.
gnomAD v4.1: 5 of 1,613,506 alleles (0.00031%); highest among the groups gnomAD compares: South Asian, 0.0011%; no homozygotes.

Submissions (4):

Myriad Genetics, Inc.
Classification: Benign for Gastrointestinal stromal tumor. Last evaluated: 2026-06-02. Review status: criteria provided, single submitter. Criteria: Myriad Autosomal Dominant, Autosomal Recessive and X-Linked Classification Criteria (2023). Collection method: clinical testing. Allele origin: unknown.
Comment: This variant is considered benign. This variant is a silent/synonymous amino acid change and it is not expected to impact splicing.

Labcorp Genetics (formerly Invitae), Labcorp
Classification: Likely benign for Gastrointestinal stromal tumor. Last evaluated: 2025-12-22. Review status: criteria provided, single submitter. Criteria: Invitae Variant Classification Sherloc (09022015). Collection method: clinical testing. Allele origin: germline.

CeGaT Center for Human Genetics Tuebingen
Classification: Likely benign. Last evaluated: 2025-02-01. Review status: criteria provided, single submitter. Criteria: CeGaT Center For Human Genetics Tuebingen Variant Classification Criteria Version 2. Collection method: clinical testing. Allele origin: germline. Affected: yes. Observed: 1 variant allele.
Comment: KIT: BP4, BP7

Ambry Genetics
Classification: Likely benign for Hereditary cancer-predisposing syndrome. Last evaluated: 2022-03-23. Review status: criteria provided, single submitter. Criteria: Ambry Variant Classification Scheme 2023. Collection method: clinical testing. Allele origin: germline.